The following is an entry in ClinVar:

ClinVar aggregate classification (germline): Pathogenic/Likely pathogenic. Review status: criteria provided, multiple submitters, no conflicts (2 of 4 stars). 10 submissions from 10 submitters: Pathogenic (6); Likely pathogenic (3). 1 of the submissions does not count toward it. Last evaluated 2025-11-20.

Conditions:
Mitochondrial oxidative phosphorylation disorder. Identifiers: Orphanet 223713, MedGen C5679825, MONDO:0016387.
Mitochondrial hypertrophic cardiomyopathy with lactic acidosis due to MTO1 deficiency. Also called: Combined oxidative phosphorylation deficiency 10; CARDIOMYOPATHY, INFANTILE HYPERTROPHIC MITOCHONDRIAL, AND LACTIC ACIDOSIS. Identifiers: Orphanet 314637, MedGen C4749921, MONDO:0013865, OMIM 614702.
Global developmental delay (DD). Also called: Cognitive delay. Identifiers: MedGen C0557874, HP:0001263. Disease mechanism: loss of function.

Allele frequency attached by ClinVar (database versions not stated): gnomAD 0.00005 and 0.00003; TOPMed 0.00006; gnomAD exomes 0.00006; ESP Exome Variant Server 0.00031; ExAC 0.00006.
gnomAD v4.1: 96 of 1,613,946 alleles (0.0059%); highest among the groups gnomAD compares: Non-Finnish European, 0.0078%; no homozygotes.

Submissions (10):

Labcorp Genetics (formerly Invitae), Labcorp
Classification: Pathogenic for Mitochondrial hypertrophic cardiomyopathy with lactic acidosis due to MTO1 deficiency. Last evaluated: 2025-11-20. Review status: criteria provided, single submitter. Criteria: Invitae Variant Classification Sherloc (09022015). Collection method: clinical testing. Allele origin: germline.
Comment: This sequence change replaces alanine, which is neutral and non-polar, with threonine, which is neutral and polar, at codon 428 of the MTO1 protein (p.Ala428Thr). This variant is present in population databases (rs143747297, gnomAD 0.009%). This missense change has been observed in individuals with oxidative phosphorylation deficiency (PMID: 22608499, 23929671, 25058219). It has also been observed to segregate with disease in related individuals. ClinVar contains an entry for this variant (Variation ID: 35496). Invitae Evidence Modeling of protein sequence and biophysical properties (such as structural, functional, and spatial information, amino acid conservation, physicochemical variation, residue mobility, and thermodynamic stability) has been performed for this missense variant. However, the output from this modeling did not meet the statistical confidence thresholds required to predict the impact of this variant on MTO1 protein function. Experimental studies have shown that this missense change affects MTO1 function (PMID: 22608499, 23929671). For these reasons, this variant has been classified as Pathogenic.

Mayo Clinic Laboratories, Mayo Clinic
Classification: Pathogenic. Last evaluated: 2023-11-17. Review status: criteria provided, single submitter. Criteria: ACMG Guidelines, 2015. Collection method: clinical testing. Allele origin: germline. Observed: 1 variant allele.
Comment: PP3, PM2, PM3_strong, PS3

GeneDx
Classification: Likely pathogenic. Last evaluated: 2022-10-14. Review status: criteria provided, single submitter. Criteria: GeneDx Variant Classification Process June 2021. Collection method: clinical testing. Allele origin: germline. Affected: yes.
Comment: Reported in multiple unrelated individuals with clinical features are consistent with COXPD10 who were homozygous for A428T or heterozygous for A428T and another variant in MTO1 (Ghezzi et al., 2012; Baruffini et al., 2013; O'Byrne et al., 2018); Not observed at a significant frequency in large population cohorts (gnomAD); In silico analysis supports that this missense variant has a deleterious effect on protein structure/function; This variant is associated with the following publications: (PMID: 23929671, 22608499, 25058219, 29440775, 29331171, 31589614)

Greenwood Genetic Center Diagnostic Laboratories, Greenwood Genetic Center
Classification: Likely pathogenic for Mitochondrial hypertrophic cardiomyopathy with lactic acidosis due to MTO1 deficiency. Last evaluated: 2022-10-03. Review status: criteria provided, single submitter. Criteria: ACMG Guidelines, 2015. Collection method: clinical testing. Allele origin: germline. Affected: yes.
Comment: PS3_Moderate, PM3_Strong, PM2

Fulgent Genetics
Classification: Pathogenic for Mitochondrial hypertrophic cardiomyopathy with lactic acidosis due to MTO1 deficiency. Last evaluated: 2022-01-11. Review status: criteria provided, single submitter. Criteria: ACMG Guidelines, 2015. Collection method: clinical testing. Allele origin: unknown.

Institute of Human Genetics Munich, TUM University Hospital
Classification: Pathogenic for Mitochondrial hypertrophic cardiomyopathy with lactic acidosis due to MTO1 deficiency. Last evaluated: 2020-01-14. Review status: criteria provided, single submitter. Criteria: Classification criteria August 2017. Collection method: clinical testing. Allele origin: maternal. Inheritance: Autosomal recessive inheritance. Affected: yes. Observed: 1 compound heterozygote.

Cytogénomique, Hospices Civils de Lyon
Classification: Pathogenic for Global developmental delay. Last evaluated: 2019-11-01. Review status: criteria provided, single submitter. Criteria: ACMG Guidelines, 2015. Collection method: clinical testing. Allele origin: germline. Affected: yes.

Eurofins Ntd Llc (ga)
Classification: Pathogenic. Last evaluated: 2018-05-31. Review status: criteria provided, single submitter. Criteria: EGL ClinVar v180209 classification definitions. Collection method: clinical testing. Allele origin: germline. Observed: 1 variant allele, 1 homozygote.

Laboratory for Molecular Medicine, Mass General Brigham Personalized Medicine
Classification: Likely pathogenic for Mitochondrial oxidative phosphorylation disorder. Last evaluated: 2017-12-12. Review status: criteria provided, single submitter. Criteria: LMM Criteria. Collection method: clinical testing. Allele origin: germline. Inheritance: Autosomal recessive inheritance. Observed: 1 variant allele.
Comment: The p.Ala468Thr variant in MTO1 has been reported in 1 homozygous and 2 compound heterozygous individuals with infantile-onset HCM, lactic acidosis, and defecti ve mitochondrial respiratory chain activity in muscle biopsies, and segregated w ith disease in 1 affected relative (Ghezzi 2012, Baruffini 2013). This variant h as been identified in 12/126720 European chromosomes by the Genome Aggregation D atabase (gnomAD; dbSNP rs143747297). Although this variant has been seen in the general population, its frequency is low enoug h to be consistent with a recessive carrier frequency. Yeast studies provide som e evidence that the p.Ala468Thr variant may impact protein function (Ghezzi 2012 , Baruffini 2013). However, these types of assays may not accurately represent b iological function in humans. Computational prediction tools and conservation an alysis suggest that the p.Ala468Thr variant may impact the protein, though this information is not predictive enough to determine pathogenicity. In summary, alt hough additional studies are required to fully establish its clinical significan ce, the p.Ala468Thr variant is likely pathogenic. ACMG/AMP Criteria applied: PM2 ,PM3,PS3_M, PP3

OMIM
Classification: Pathogenic for COMBINED OXIDATIVE PHOSPHORYLATION DEFICIENCY 10. Last evaluated: 2013-11-01. Review status: no assertion criteria provided. Collection method: literature only. Allele origin: germline. Not counted in ClinVar's aggregate classification.

Literature cited by the submitters: PubMed 22608499 (cited by 5 submitters); PubMed 23929671 (cited by 4 submitters); PubMed 25058219 (cited by Labcorp Genetics (formerly Invitae), Labcorp and Mayo Clinic Laboratories, Mayo Clinic); PubMed 31589614 (cited by Mayo Clinic Laboratories, Mayo Clinic).

NM_012123.4(MTO1):c.1282G>A (p.Ala428Thr)

Gene: MTO1 (mitochondrial tRNA translation optimization 1; plus strand). Cytogenetic location: 6q13.
Variant type: single nucleotide variant.
Coding change: c.1282G>A on transcript NM_012123.4 (MANE Select); coding-DNA position 1282, G replaced by A.
Protein change: p.Ala428Thr; replaces alanine 428 with threonine.
Molecular consequence: missense variant.
Genome position (GRCh38, 1-based): chr6:73,482,061, G>A. VCF-style: chr6-73482061-G-A. GRCh37 (hg19) VCF-style: chr6-74191784-G-A.
Other names: p.Ala428Thr; c.1402G>A, p.Ala468Thr (NM_001123226.2); c.1357G>A, p.Ala453Thr (NM_133645.3); short protein forms A428T, A453T, A468T.
Identifiers: ClinVar variation 35496 (VCV000035496.28), dbSNP rs143747297, ClinGen allele CA129930.